The following is an entry in ClinVar:

ClinVar aggregate classification (germline): Uncertain significance (1 of 4 stars; one submission).

Conditions:
Aarskog syndrome (AAS). Also called: Aarskog-Scott syndrome, X-linked; Aarskog Scott syndrome; Aarskog disease; FGD1-Related Faciogenital Dysplasia (Aarskog-Scott Syndrome); FGDY. Identifiers: Orphanet 915, MedGen C0175701, MONDO:0010589, OMIM 305400.

Allele frequency attached by ClinVar (database versions not stated): gnomAD exomes below 0.00001; gnomAD 0.00001; TOPMed 0.00001.
gnomAD v4.1: 4 of 1,207,286 alleles (0.00033%); highest among the groups gnomAD compares: Non-Finnish European, 0.00045%; no homozygotes.

Submission:

Institute of Human Genetics, University of Leipzig Medical Center
Classification: Uncertain significance for Aarskog syndrome. Last evaluated: 2022-12-08. Review status: criteria provided, single submitter. Criteria: ACMG Guidelines, 2015. Collection method: clinical testing. Allele origin: maternal. Affected: yes.
Comment: _x000D_ Criteria applied: PM2_SUP, PP3

NM_004463.3(FGD1):c.1500G>A (p.Lys500=)

Gene: FGD1 (FYVE, RhoGEF and PH domain containing 1; minus strand). Cytogenetic location: Xp11.22.
Variant type: single nucleotide variant.
Coding change: c.1500G>A on transcript NM_004463.3 (MANE Select); coding-DNA position 1500, G replaced by A.
Protein change: p.Lys500=; no amino-acid change (lysine 500 retained).
Molecular consequence: synonymous variant.
Genome position (GRCh38, 1-based): chrX:54,465,587, C>T on the plus strand (G>A on the coding strand, the complement: FGD1 is on the minus strand). VCF-style: chrX-54465587-C-T. GRCh37 (hg19) VCF-style: chrX-54492020-C-T.
Identifiers: ClinVar variation 1804109 (VCV001804109.1), dbSNP rs1268877807, ClinGen allele CA516689333.